The following is an entry in ClinVar:

ClinVar aggregate classification (germline): Uncertain significance (1 of 4 stars; one submission).

Conditions:
Familial cold autoinflammatory syndrome 2 (FCAS2). Identifiers: Orphanet 247868, MedGen C2673198, MONDO:0012724, OMIM 611762.

gnomAD v4.1: 2 of 1,614,062 alleles (0.00012%); highest among the groups gnomAD compares: East Asian, 0.0045%; no homozygotes.

Submission:

Labcorp Genetics (formerly Invitae), Labcorp
Classification: Uncertain significance for Familial cold autoinflammatory syndrome 2. Last evaluated: 2024-05-06. Review status: criteria provided, single submitter. Criteria: Invitae Variant Classification Sherloc (09022015). Collection method: clinical testing. Allele origin: germline.
Comment: This sequence change replaces serine, which is neutral and polar, with glycine, which is neutral and non-polar, at codon 578 of the NLRP12 protein (p.Ser578Gly). This variant is present in population databases (no rsID available, gnomAD 0.01%). This missense change has been observed in individual(s) with clinical features of NLRP12-related conditions (PMID: 29951964). Advanced modeling of protein sequence and biophysical properties (such as structural, functional, and spatial information, amino acid conservation, physicochemical variation, residue mobility, and thermodynamic stability) performed at Invitae indicates that this missense variant is not expected to disrupt NLRP12 protein function with a negative predictive value of 80%. In summary, the available evidence is currently insufficient to determine the role of this variant in disease. Therefore, it has been classified as a Variant of Uncertain Significance.

Literature cited by the submitters: PubMed 29951964.

NM_144687.4(NLRP12):c.1732A>G (p.Ser578Gly)

Gene: NLRP12 (NLR family pyrin domain containing 12; minus strand). Cytogenetic location: 19q13.42.
Variant type: single nucleotide variant.
Coding change: c.1732A>G on transcript NM_144687.4 (MANE Select); coding-DNA position 1732, A replaced by G.
Protein change: p.Ser578Gly; replaces serine 578 with glycine.
Molecular consequence: missense variant.
Genome position (GRCh38, 1-based): chr19:53,809,927, T>C on the plus strand (A>G on the coding strand, the complement: NLRP12 is on the minus strand). VCF-style: chr19-53809927-T-C. GRCh37 (hg19) VCF-style: chr19-54313181-T-C.
Other names: c.1732A>G, p.Ser578Gly (NM_001277126.2, NM_001277129.1); short protein forms S578G.
Identifiers: ClinVar variation 3704489 (VCV003704489.2).